The following is an entry in ClinVar:

ClinVar aggregate classification (germline): Uncertain significance (1 of 4 stars; one submission).

gnomAD v4.1: 1 of 1,605,662 alleles (0.000062%); highest among the groups gnomAD compares: South Asian, 0.0011%; no homozygotes.

Submission:

Labcorp Genetics (formerly Invitae), Labcorp
Classification: Uncertain significance. Last evaluated: 2022-07-19. Review status: criteria provided, single submitter. Criteria: Invitae Variant Classification Sherloc (09022015). Collection method: clinical testing. Allele origin: germline.
Comment: In summary, the available evidence is currently insufficient to determine the role of this variant in disease. Therefore, it has been classified as a Variant of Uncertain Significance. Algorithms developed to predict the effect of missense changes on protein structure and function are either unavailable or do not agree on the potential impact of this missense change (SIFT: "Deleterious"; PolyPhen-2: "Benign"; Align-GVGD: "Class C0"). ClinVar contains an entry for this variant (Variation ID: 1361836). This variant has not been reported in the literature in individuals affected with ADGRV1-related conditions. This variant is not present in population databases (gnomAD no frequency). This sequence change replaces isoleucine, which is neutral and non-polar, with leucine, which is neutral and non-polar, at codon 1790 of the ADGRV1 protein (p.Ile1790Leu).

NM_032119.4(ADGRV1):c.5368A>C (p.Ile1790Leu)

Gene: ADGRV1 (adhesion G protein-coupled receptor V1; plus strand). Cytogenetic location: 5q14.3.
Variant type: single nucleotide variant.
Coding change: c.5368A>C on transcript NM_032119.4 (MANE Select); coding-DNA position 5368, A replaced by C.
Protein change: p.Ile1790Leu; replaces isoleucine 1790 with leucine.
Molecular consequence: missense variant. On other transcripts: non-coding transcript variant (1).
Genome position (GRCh38, 1-based): chr5:90,676,134, A>C. VCF-style: chr5-90676134-A-C. GRCh37 (hg19) VCF-style: chr5-89971951-A-C.
Other names: short protein forms I1790L.
Identifiers: ClinVar variation 1361836 (VCV001361836.8), dbSNP rs1231629375, ClinGen allele CA360410741.